The following is an entry in ClinVar:

ClinVar aggregate classification (germline): Uncertain significance (1 of 4 stars; one submission).

Submission:

Labcorp Genetics (formerly Invitae), Labcorp
Classification: Uncertain significance. Last evaluated: 2024-12-07. Review status: criteria provided, single submitter. Criteria: Invitae Variant Classification Sherloc (09022015). Collection method: clinical testing. Allele origin: germline.
Comment: This sequence change replaces asparagine, which is neutral and polar, with lysine, which is basic and polar, at codon 159 of the FH protein (p.Asn159Lys). This variant is not present in population databases (gnomAD no frequency). This variant has not been reported in the literature in individuals affected with FH-related conditions. Invitae Evidence Modeling of protein sequence and biophysical properties (such as structural, functional, and spatial information, amino acid conservation, physicochemical variation, residue mobility, and thermodynamic stability) indicates that this missense variant is expected to disrupt FH protein function with a positive predictive value of 95%. In summary, the available evidence is currently insufficient to determine the role of this variant in disease. Therefore, it has been classified as a Variant of Uncertain Significance.

NM_000143.4(FH):c.477T>G (p.Asn159Lys)

Gene: FH (fumarate hydratase; minus strand). Cytogenetic location: 1q43.
Variant type: single nucleotide variant.
Coding change: c.477T>G on transcript NM_000143.4 (MANE Select); coding-DNA position 477, T replaced by G.
Protein change: p.Asn159Lys; replaces asparagine 159 with lysine.
Molecular consequence: missense variant.
Genome position (GRCh38, 1-based): chr1:241,512,045, A>C on the plus strand (T>G on the coding strand, the complement: FH is on the minus strand). VCF-style: chr1-241512045-A-C. GRCh37 (hg19) VCF-style: chr1-241675345-A-C.
Other names: short protein forms N159K.
Identifiers: ClinVar variation 3719066 (VCV003719066.2).